The following is an entry in ClinVar:

NM_001106.4(ACVR2B):c.1101T>C (p.Pro367=)

Gene: ACVR2B (activin A receptor type 2B; plus strand). Cytogenetic location: 3p22.2.
Variant type: single nucleotide variant.
Coding change: c.1101T>C on transcript NM_001106.4 (MANE Select); coding-DNA position 1101, T replaced by C.
Protein change: p.Pro367=; no amino-acid change (proline 367 retained).
Molecular consequence: synonymous variant.
Genome position (GRCh38, 1-based): chr3:38,482,224, T>C. VCF-style: chr3-38482224-T-C. GRCh37 (hg19) VCF-style: chr3-38523715-T-C.
Identifiers: ClinVar variation 2653672 (VCV002653672.24), dbSNP rs969747733, ClinGen allele CA72926274.

ClinVar aggregate classification (germline): Likely benign (1 of 4 stars; one submission).

Allele frequency attached by ClinVar (database versions not stated): gnomAD exomes below 0.00001.
gnomAD v4.1: 1 of 1,613,732 alleles (0.000062%); highest among the groups gnomAD compares: Non-Finnish European, 0.000085%; no homozygotes.

Submission:

CeGaT Center for Human Genetics Tuebingen
Classification: Likely benign. Last evaluated: 2022-08-01. Review status: criteria provided, single submitter. Criteria: CeGaT Center For Human Genetics Tuebingen Variant Classification Criteria Version 2. Collection method: clinical testing. Allele origin: germline. Affected: yes. Observed: 1 variant allele.
Comment: ACVR2B: PM2:Supporting, BP4, BP7